The following is an entry in ClinVar:

NM_016938.5(EFEMP2):c.564C>T (p.Cys188=)

Gene: EFEMP2 (EGF containing fibulin extracellular matrix protein 2; minus strand). Cytogenetic location: 11q13.1.
Variant type: single nucleotide variant.
Coding change: c.564C>T on transcript NM_016938.5 (MANE Select); coding-DNA position 564, C replaced by T.
Protein change: p.Cys188=; no amino-acid change (cysteine 188 retained).
Molecular consequence: synonymous variant. On other transcripts: non-coding transcript variant (1).
Genome position (GRCh38, 1-based): chr11:65,870,164, G>A on the plus strand (C>T on the coding strand, the complement: EFEMP2 is on the minus strand). VCF-style: chr11-65870164-G-A. GRCh37 (hg19) VCF-style: chr11-65637635-G-A.
Identifiers: ClinVar variation 3767605 (VCV003767605.1).
Genomic context (GRCh38, chr11:65,870,164, plus strand): 5'-GCCCAGCCCAGCCTCACCAACACAGGAGCGGTTGTTAGGCCCCAGCTGGAAGCCCGGCTC[G>A]CACTGGCAGCGGAAGGAGCCAGGCAGGTTCACGCAGCGGTGCTGGCAGTAGCGGTAGCGG-3'
Protein context (NP_058634.4, residues 178-198): VNLPGSFRCQ[Cys188=]EPGFQLGPNN

ClinVar aggregate classification (germline): Uncertain significance (1 of 4 stars; one submission).

gnomAD v4.1: 40 of 1,613,720 alleles (0.0025%); highest among the groups gnomAD compares: South Asian, 0.0033%; no homozygotes.

Submission:

GeneDx
Classification: Uncertain significance. Last evaluated: 2024-09-04. Review status: criteria provided, single submitter. Criteria: GeneDx Variant Classification Process June 2021. Collection method: clinical testing. Allele origin: germline. Affected: yes.
Comment: Not observed at significant frequency in large population cohorts (gnomAD); Has not been previously published as pathogenic or benign to our knowledge; In silico analysis suggests this variant may impact gene splicing. In the absence of RNA/functional studies, the actual effect of this sequence change is unknown.